The following is an entry in ClinVar:

ClinVar aggregate classification (germline): Likely benign (1 of 4 stars; one submission).

gnomAD v4.1: 201 of 1,612,036 alleles (0.012%); highest among the groups gnomAD compares: Admixed American, 0.017%; no homozygotes.

Submission:

CeGaT Center for Human Genetics Tuebingen
Classification: Likely benign. Last evaluated: 2024-10-01. Review status: criteria provided, single submitter. Criteria: CeGaT Center For Human Genetics Tuebingen Variant Classification Criteria Version 2. Collection method: clinical testing. Allele origin: germline. Affected: yes. Observed: 1 variant allele.
Comment: MED13: BP4, BS2

NM_005121.3(MED13):c.1792G>T (p.Val598Leu)

Gene: MED13 (mediator complex subunit 13; minus strand). Cytogenetic location: 17q23.2.
Variant type: single nucleotide variant.
Coding change: c.1792G>T on transcript NM_005121.3 (MANE Select); coding-DNA position 1792, G replaced by T.
Protein change: p.Val598Leu; replaces valine 598 with leucine.
Molecular consequence: missense variant.
Genome position (GRCh38, 1-based): chr17:62,010,725, C>A on the plus strand (G>T on the coding strand, the complement: MED13 is on the minus strand). VCF-style: chr17-62010725-C-A. GRCh37 (hg19) VCF-style: chr17-60088086-C-A.
Other names: short protein forms V598L.
Identifiers: ClinVar variation 3388329 (VCV003388329.14).
Genomic context (GRCh38, chr17:62,010,725, plus strand): 5'-AATACTTCCAGGCTATATTGGCTTCATCTTCTTCCAAGTTTACTGCTGTACCAACATATA[C>A]TGTAGGTTCTACAGCTTCCTGATATTGAGGTGGGAAAGACTGGGACAAACTGTCTATCCT-3'
Protein context (NP_005112.2, residues 588-608): PQYQEAVEPT[Val598Leu]YVGTAVNLEE